The following is an entry in ClinVar:

NM_000070.3(CAPN3):c.551C>T (p.Thr184Met)

Gene: CAPN3 (calpain 3; plus strand). Cytogenetic location: 15q15.1.
Variant type: single nucleotide variant.
Coding change: c.551C>T on transcript NM_000070.3 (MANE Select); coding-DNA position 551, C replaced by T.
Protein change: p.Thr184Met; replaces threonine 184 with methionine.
Molecular consequence: missense variant.
Genome position (GRCh38, 1-based): chr15:42,387,805, C>T. VCF-style: chr15-42387805-C-T. GRCh37 (hg19) VCF-style: chr15-42680003-C-T.
Other names: NM_000070.3(CAPN3):c.551C>T; c.551C>T, p.Thr184Met (NM_024344.2, NM_173087.2); short protein forms T184M.
Identifiers: ClinVar variation 128572 (VCV000128572.35), dbSNP rs35889956, ClinGen allele CA152139.

ClinVar aggregate classification (germline): Benign. Review status: reviewed by expert panel (3 of 4 stars). 13 submissions from 13 submitters: Benign (1). 12 of the submissions do not count toward it. Last evaluated 2026-02-24.

Conditions:
Autosomal recessive limb-girdle muscular dystrophy type 2A (LGMDR1). Also called: Limb-girdle muscular dystrophy, type 2A; Calpainopathy; Muscular dystrophy, limb-girdle, type 2A, Amish; LEYDEN-MOEBIUS MUSCULAR DYSTROPHY; MUSCULAR DYSTROPHY, PELVOFEMORAL. Identifiers: Orphanet 267, MedGen C1869123, MONDO:0009675, OMIM 253600. Disease mechanism: loss of function.
Muscular dystrophy, limb-girdle, autosomal dominant 4. Also called: MUSCULAR DYSTROPHY, LIMB-GIRDLE, TYPE 1I; Calpain-3-related limb-girdle muscular dystrophy D4. Identifiers: Orphanet 565909, MedGen C4748295, MONDO:0029133, OMIM 618129.
Autosomal recessive limb-girdle muscular dystrophy. Identifiers: Orphanet 102015, MedGen C2931907, MONDO:0015152.

Allele frequency attached by ClinVar (database versions not stated): ESP Exome Variant Server 0.01238; 1000 Genomes Project 30x 0.01062; TOPMed 0.01067; gnomAD exomes 0.00084 and 0.00242; ExAC 0.00310; gnomAD 0.00948 and 0.01026; 1000 Genomes Project 0.00919.
gnomAD v4.1: 2,700 of 1,614,142 alleles (0.17%); highest among the groups gnomAD compares: African/African-American, 3.3%; 43 homozygotes.

Submissions (13):

ClinGen Limb Girdle Muscular Dystrophy Variant Curation Expert Panel, ClinGen
Classification: Benign for Autosomal recessive limb-girdle muscular dystrophy. Last evaluated: 2026-02-24. Review status: reviewed by expert panel. Criteria: ClinGen LGMD VCEP ACMG Specifications CAPN3 V2.0.0. Collection method: curation. Allele origin: germline. Inheritance: Autosomal recessive inheritance.
Comment: The NM_000070.3: c.551C>T variant in CAPN3 is a missense variant predicted to cause substitution of threonine by methionine at amino acid 184, p.(Thr184Met). The Grpmax FAF (the lower threshold of the 95% CI of 1117/33480 African/African American alleles) is 0.03174 in gnomAD v4.1.0, which is higher than the ClinGen LGMD VCEP threshold (>0.003) for BA1, and therefore meets this criterion (BA1). The Total population also includes 43 homozygotes. This variant has been detected in at least 8 patients with limb girdle muscular dystrophy presumed to be of European genetic ancestry, where this variant is not common (PMID: 30919934, 31555977, 22443334, Marseille Medical Genetics clinic). However, given the high population frequency, case data were not scored. In two patients for whom extensive testing did not identify an alternative diagnosis, it was confirmed in trans with a pathogenic CAPN3 variant (Marseille Medical Genetics clinic internal data communication), raising the possibility that the variant may be part of a pathogenic haplotype in these patients. The computational predictor REVEL gives a score of 0.87, which is above the threshold of 0.7, evidence that correlates with impact to CAPN3 function (PP3). In an in vitro assay, this variant retained autolytic and proteolytic ability (Svetlana Gorokhova internal data communication). A minigene splicing assay showed an incomplete splicing abnormality, with skipping of exon 4 observed in a minority of transcripts (PMID: 32668095), but RNAseq analysis in carriers of this variant failed to detect a significant splice alteration (Svetlana Gorokhova internal data communication; PVS1_RNA not met). SpliceAI scores also do not support a splice effect. In summary, this variant meets criteria to be classified as Benign for autosomal recessive limb girdle muscular dystrophy based on the ACMG/AMP criteria applied, as specified by the ClinGen LGMD VCEP (specifications v2.0.0; 02/24/2026): BA1, PP3.

Labcorp Genetics (formerly Invitae), Labcorp
Classification: Benign for Autosomal recessive limb-girdle muscular dystrophy type 2A. Last evaluated: 2026-02-01. Review status: criteria provided, single submitter. Criteria: Invitae Variant Classification Sherloc (09022015). Collection method: clinical testing. Allele origin: germline. Not counted in ClinVar's aggregate classification.

Women's Health and Genetics/Laboratory Corporation of America, LabCorp
Classification: Benign. Last evaluated: 2022-02-18. Review status: criteria provided, single submitter. Criteria: LabCorp Variant Classification Summary - May 2015. Collection method: clinical testing. Allele origin: germline. Not counted in ClinVar's aggregate classification.
Comment: Variant summary: CAPN3 c.551C>T (p.Thr184Met) results in a non-conservative amino acid change located in the Peptidase C2, calpain, catalytic domain (IPR001300) of the encoded protein sequence. Five of five in-silico tools predict a damaging effect of the variant on protein function. The variant allele was found at a frequency of 0.0024 in 251442 control chromosomes, predominantly at a frequency of 0.035 within the African or African-American subpopulation in the gnomAD database, including 13 homozygotes. The observed variant frequency within African or African-American control individuals in the gnomAD database is approximately 11 fold of the estimated maximal expected allele frequency for a pathogenic variant in CAPN3 causing Limb-Girdle Muscular Dystrophy, Autosomal Recessive phenotype (0.0032), strongly suggesting that the variant is a benign polymorphism found primarily in populations of African or African-American origin. Six ClinVar submitters have assessed the variant since 2014: five classified the variant as benign and one as likely benign. Based on the evidence outlined above, the variant was classified as benign.

Fulgent Genetics
Classification: Likely benign for Autosomal recessive limb-girdle muscular dystrophy type 2A; Muscular dystrophy, limb-girdle, autosomal dominant 4. Last evaluated: 2021-09-20. Review status: criteria provided, single submitter. Criteria: ACMG Guidelines, 2015. Collection method: clinical testing. Allele origin: unknown. Not counted in ClinVar's aggregate classification.

Athena Diagnostics
Classification: Likely benign. Last evaluated: 2020-05-15. Review status: criteria provided, single submitter. Criteria: Athena Diagnostics Criteria. Collection method: clinical testing. Allele origin: unknown. Not counted in ClinVar's aggregate classification.

Mayo Clinic Laboratories, Mayo Clinic
Classification: Benign. Last evaluated: 2020-02-03. Review status: criteria provided, single submitter. Criteria: ACMG Guidelines, 2015. Collection method: clinical testing. Allele origin: germline. Observed: 10 variant alleles. Not counted in ClinVar's aggregate classification.

Illumina Laboratory Services, Illumina
Classification: Benign for Limb-girdle muscular dystrophy, type 2A. Last evaluated: 2017-04-27. Review status: criteria provided, single submitter. Criteria: ICSL Variant Classification Criteria 13 December 2019. Collection method: clinical testing. Allele origin: germline. Not counted in ClinVar's aggregate classification.
Comment: This variant was observed as part of a predisposition screen in an ostensibly healthy population. A literature search was performed for the gene, cDNA change, and amino acid change (where applicable). Publications were found based on this search. The evidence from the literature, in combination with allele frequency data from public databases where available, was sufficient to rule this variant out of causing disease. Therefore, this variant is classified as benign.

Eurofins Ntd Llc (ga)
Classification: Benign. Last evaluated: 2016-07-28. Review status: criteria provided, single submitter. Criteria: EGL Classification Definitions 2015. Collection method: clinical testing. Allele origin: germline. Observed: 1 variant allele, 1 heterozygote. Not counted in ClinVar's aggregate classification.

GeneDx
Classification: Benign. Last evaluated: 2016-05-19. Review status: criteria provided, single submitter. Criteria: GeneDx Variant Classification (06012015). Collection method: clinical testing. Allele origin: germline. Affected: yes. Not counted in ClinVar's aggregate classification.
Comment: This variant is considered likely benign or benign based on one or more of the following criteria: it is a conservative change, it occurs at a poorly conserved position in the protein, it is predicted to be benign by multiple in silico algorithms, and/or has population frequency not consistent with disease.

Breakthrough Genomics
Classification: Likely benign. Review status: criteria provided, single submitter. Criteria: ACMG Guidelines, 2015. Collection method: not provided. Allele origin: germline. Inheritance: Autosomal recessive inheritance. Affected: yes. Not counted in ClinVar's aggregate classification.

PreventionGenetics, part of Exact Sciences
Classification: Likely benign. Review status: criteria provided, single submitter. Criteria: ACMG Guidelines, 2015. Collection method: clinical testing. Allele origin: germline. Not counted in ClinVar's aggregate classification.

Natera, Inc.
Classification: Benign for Limb-girdle muscular dystrophy type 2A. Last evaluated: 2020-09-16. Review status: no assertion criteria provided. Collection method: clinical testing. Allele origin: germline. Not counted in ClinVar's aggregate classification.

Genetic Services Laboratory, University of Chicago
Classification: Likely benign for AllHighlyPenetrant. Review status: no assertion criteria provided. Collection method: clinical testing. Allele origin: germline. Inheritance: Autosomal recessive inheritance. Not counted in ClinVar's aggregate classification.
Comment: Likely benign based on allele frequency in 1000 Genomes Project or ESP global frequency and its presence in a patient with a rare or unrelated disease phenotype. NOT Sanger confirmed.

Literature cited by the submitters: PubMed 17526799 (cited by Athena Diagnostics and Illumina Laboratory Services, Illumina); PubMed 9777948 (cited by Athena Diagnostics); PubMed 16627476 (cited by Athena Diagnostics); PubMed 10330340 (cited by Athena Diagnostics and Illumina Laboratory Services, Illumina); PubMed 14959561 (cited by Athena Diagnostics); PubMed 15221789 (cited by Athena Diagnostics); PubMed 18055493 (cited by Athena Diagnostics); PubMed 19835634 (cited by Athena Diagnostics and Illumina Laboratory Services, Illumina); PubMed 22443334 (cited by Athena Diagnostics and Illumina Laboratory Services, Illumina); PubMed 26810512 (cited by Athena Diagnostics); PubMed 14578192 (cited by Illumina Laboratory Services, Illumina).